The following is an entry in ClinVar:

NM_003482.4(KMT2D):c.6613dup (p.Ala2205fs)

Gene: KMT2D (lysine methyltransferase 2D; minus strand). Cytogenetic location: 12q13.12.
Variant type: Duplication.
Coding change: c.6613dup on transcript NM_003482.4 (MANE Select); coding-DNA position 6613, one base duplicated (G; older notation c.6613dupG).
Protein change: p.Ala2205fs; shifts the reading frame from alanine 2205.
Molecular consequence: frameshift variant.
Genome position (GRCh38, 1-based): chr12:49,041,157, C duplicated on the plus strand (G on the coding strand, the reverse complement: KMT2D is on the minus strand); the first of 5 consecutive C bases (chr12:49,041,157-49,041,161); duplicating any one gives the same sequence. VCF-style (leftmost placement, unchanged base first): chr12-49041156-G-GC. GRCh37 (hg19) VCF-style: chr12-49434939-G-GC.
Other names: c.6613dupG (NM_003482.3); short protein forms A2205fs.
Identifiers: ClinVar variation 3255015 (VCV003255015.2), dbSNP rs2120542644.

ClinVar aggregate classification (germline): Pathogenic (1 of 4 stars; one submission).

Conditions:
Kabuki syndrome 1 (KABUK1). Also called: KMT2D-Related Kabuki Syndrome. Identifiers: Orphanet 2322, MedGen CN030661, MONDO:0007843, OMIM 147920.

Submission:

Victorian Clinical Genetics Services, Murdoch Childrens Research Institute
Classification: Pathogenic for Kabuki syndrome 1. Last evaluated: 2024-09-21. Review status: criteria provided, single submitter. Criteria: ACMG Guidelines, 2015. Collection method: clinical testing. Allele origin: germline. Inheritance: Autosomal dominant inheritance. Affected: yes.
Comment: Based on the classification scheme VCGS_Germline_v1.3.4, this variant is classified as Pathogenic. Following criteria are met: 0102 - Loss of function is a known mechanism of disease in this gene and is associated with Kabuki syndrome 1 (MIM#147920). (I) 0107 - This gene is associated with autosomal dominant disease. (I) 0115 - Variants in this gene are known to have variable expressivity in individuals with Kabuki syndrome (PMID: 21882399). (I) 0201 - Variant is predicted to cause nonsense-mediated decay (NMD) and loss of protein (premature termination codon is located at least 54 nucleotides upstream of the final exon-exon junction). (SP) 0251 - This variant is heterozygous. (I) 0301 - Variant is absent from gnomAD (both v2 and v3). (SP) 0701 - Other NMD-predicted variants comparable to the one identified in this case have very strong previous evidence for pathogenicity (DECIPHER). (SP) 0802 - This variant has moderate previous evidence of pathogenicity in unrelated individuals. (SP) Legend: (SP) - Supporting pathogenic, (I) - Information, (SB) - Supporting benign

Literature cited by the submitters: PubMed 21882399; PubMed 24346842.